The following is an entry in ClinVar:

ClinVar aggregate classification (germline): Pathogenic (1 of 4 stars; one submission).

Submission:

Labcorp Genetics (formerly Invitae), Labcorp
Classification: Pathogenic. Last evaluated: 2024-11-18. Review status: criteria provided, single submitter. Criteria: Invitae Variant Classification Sherloc (09022015). Collection method: clinical testing. Allele origin: germline.
Comment: This sequence change creates a premature translational stop signal (p.Gly165Alafs*25) in the CDH23 gene. It is expected to result in an absent or disrupted protein product. Loss-of-function variants in CDH23 are known to be pathogenic (PMID: 11138009, 21940737). This variant is not present in population databases (gnomAD no frequency). This premature translational stop signal has been observed in individual(s) with deafness (PMID: 31138263). ClinVar contains an entry for this variant (Variation ID: 2134669). For these reasons, this variant has been classified as Pathogenic.

Literature cited by the submitters: PubMed 11138009; PubMed 21940737; PubMed 31138263.

NM_022124.6(CDH23):c.494del (p.Gly165fs)

Gene: CDH23 (cadherin related 23; plus strand). Cytogenetic location: 10q22.1.
Variant type: Deletion.
Coding change: c.494del on transcript NM_022124.6 (MANE Select); coding-DNA position 494, one base deleted (G; older notation c.494delG).
Protein change: p.Gly165fs; shifts the reading frame from glycine 165.
Molecular consequence: frameshift variant.
Genome position (GRCh38, 1-based): chr10:71,566,806, G deleted; the last of 5 consecutive G bases (chr10:71,566,802-71,566,806); deleting any one gives the same sequence. VCF-style (leftmost placement, unchanged base first): chr10-71566801-AG-A. GRCh37 (hg19) VCF-style: chr10-73326558-AG-A.
Other names: c.494del, p.Gly165fs (NM_001171930.2, NM_001171931.2, NM_001171932.2 and 1 more transcripts); short protein forms G165fs.
Identifiers: ClinVar variation 2134669 (VCV002134669.4), dbSNP rs2132358353, ClinGen allele CA2574574339.